The following is an entry in ClinVar:

NM_001142800.2(EYS):c.7381T>G (p.Leu2461Val)

Gene: EYS (EGF-like photoreceptor maintenance factor; minus strand). Cytogenetic location: 6q12.
Variant type: single nucleotide variant.
Coding change: c.7381T>G on transcript NM_001142800.2 (MANE Select); coding-DNA position 7381, T replaced by G.
Protein change: p.Leu2461Val; replaces leucine 2461 with valine.
Molecular consequence: missense variant.
Genome position (GRCh38, 1-based): chr6:63,806,220, A>C on the plus strand (T>G on the coding strand, the complement: EYS is on the minus strand). VCF-style: chr6-63806220-A-C. GRCh37 (hg19) VCF-style: chr6-64516113-A-C.
Other names: c.7381T>G, p.Leu2461Val (NM_001292009.2); short protein forms L2461V.
Identifiers: ClinVar variation 3635304 (VCV003635304.2).

ClinVar aggregate classification (germline): Uncertain significance (1 of 4 stars; one submission).

Submission:

Labcorp Genetics (formerly Invitae), Labcorp
Classification: Uncertain significance. Last evaluated: 2024-08-27. Review status: criteria provided, single submitter. Criteria: Invitae Variant Classification Sherloc (09022015). Collection method: clinical testing. Allele origin: germline.
Comment: This sequence change replaces leucine, which is neutral and non-polar, with valine, which is neutral and non-polar, at codon 2461 of the EYS protein (p.Leu2461Val). This variant is not present in population databases (gnomAD no frequency). This variant has not been reported in the literature in individuals affected with EYS-related conditions. An algorithm developed to predict the effect of missense changes on protein structure and function outputs the following: PolyPhen-2: "Probably Damaging". The valine amino acid residue is found in multiple mammalian species, which suggests that this missense change does not adversely affect protein function. In summary, the available evidence is currently insufficient to determine the role of this variant in disease. Therefore, it has been classified as a Variant of Uncertain Significance.